The following is an entry in ClinVar:

NM_018474.6(KIZ):c.-19C>T

Genes: KIZ (kizuna centrosomal protein; plus strand), LOC130065507 (ATAC-STARR-seq lymphoblastoid silent region 12713; plus strand). Cytogenetic location: 20p11.23.
Variant type: single nucleotide variant.
Coding change: c.-19C>T on transcript NM_018474.6 (MANE Select); 19 bases upstream of the start codon, C replaced by T.
Molecular consequence: 5 prime UTR variant. On other transcripts: synonymous variant (1).
Genome position (GRCh38, 1-based): chr20:21,126,097, C>T. VCF-style: chr20-21126097-C-T. GRCh37 (hg19) VCF-style: chr20-21106738-C-T.
Other names: c.-165C>T (NM_001163022.3, NM_001163023.3, NM_001352435.2); c.61C>T, p.Leu21= (NM_001276389.2); c.-19C>T (NM_001352434.2); c.-405C>T (NM_001352436.2).
Identifiers: ClinVar variation 3053570 (VCV003053570.3), dbSNP rs368796208, ClinGen allele CA9784573.

ClinVar aggregate classification (germline): Likely benign. Review status: criteria provided, single submitter (1 of 4 stars). 2 submissions from 2 submitters: Likely benign (1). 1 of the submissions does not count toward it. Last evaluated 2024-07-04.

Conditions:
KIZ-related disorder. Also called: KIZ-related condition.

Allele frequency attached by ClinVar (database versions not stated): gnomAD exomes 0.00015; ExAC 0.00030; ESP Exome Variant Server 0.00065; gnomAD 0.00205; TOPMed 0.00239; 1000 Genomes Project 0.00240; 1000 Genomes Project 30x 0.00250.

Submissions (2):

Blueprint Genetics
Classification: Likely benign. Last evaluated: 2024-07-04. Review status: criteria provided, single submitter. Criteria: ACMG Guidelines, 2015. Collection method: clinical testing. Allele origin: germline.

PreventionGenetics, part of Exact Sciences
Classification: Likely benign for KIZ-related condition. Last evaluated: 2019-09-16. Review status: no assertion criteria provided. Collection method: clinical testing. Allele origin: germline. Not counted in ClinVar's aggregate classification.
Comment: This variant is classified as likely benign based on ACMG/AMP sequence variant interpretation guidelines (Richards et al. 2015 PMID: 25741868, with internal and published modifications).